The following is an entry in ClinVar:

ClinVar aggregate classification (germline): Uncertain significance (1 of 4 stars; one submission).

gnomAD v4.1: 6 of 1,586,176 alleles (0.00038%); highest among the groups gnomAD compares: South Asian, 0.0044%; no homozygotes.

Submission:

Labcorp Genetics (formerly Invitae), Labcorp
Classification: Uncertain significance. Last evaluated: 2025-09-10. Review status: criteria provided, single submitter. Criteria: Invitae Variant Classification Sherloc (09022015). Collection method: clinical testing. Allele origin: germline.
Comment: This sequence change replaces methionine, which is neutral and non-polar, with isoleucine, which is neutral and non-polar, at codon 610 of the PDE6B protein (p.Met610Ile). This variant is not present in population databases (gnomAD no frequency). This variant has not been reported in the literature in individuals affected with PDE6B-related conditions. An algorithm developed to predict the effect of missense changes on protein structure and function (PolyPhen-2) suggests that this variant is likely to be tolerated. In summary, the available evidence is currently insufficient to determine the role of this variant in disease. Therefore, it has been classified as a Variant of Uncertain Significance.

NM_000283.4(PDE6B):c.1830G>A (p.Met610Ile)

Gene: PDE6B (phosphodiesterase 6B; plus strand). Cytogenetic location: 4p16.3.
Variant type: single nucleotide variant.
Coding change: c.1830G>A on transcript NM_000283.4 (MANE Select); coding-DNA position 1830, G replaced by A.
Protein change: p.Met610Ile; replaces methionine 610 with isoleucine.
Molecular consequence: missense variant.
Genome position (GRCh38, 1-based): chr4:662,616, G>A. VCF-style: chr4-662616-G-A. GRCh37 (hg19) VCF-style: chr4-656405-G-A.
Other names: c.1830G>A, p.Met610Ile (NM_001145291.2, NM_001440547.1, NM_001440548.1); c.993G>A, p.Met331Ile (NM_001145292.2, NM_001350154.3, NM_001379246.1 and 1 more transcripts); c.675G>A, p.Met225Ile (NM_001350155.3); short protein forms M225I, M331I, M610I.
Identifiers: ClinVar variation 4726946 (VCV004726946.1).
Genomic context (GRCh38, chr4:662,616, plus strand): 5'-GGTGACAGCCGGCCTGTGCCATGACATCGACCACCGCGGCACCAACAACCTGTACCAGAT[G>A]AAGTAGGCACCTCAGGGCGGGCATGTGAATTAGCCCTAAATCAACTCCACGCCCTTGGCG-3'
Protein context (NP_000274.3, residues 600-620): DHRGTNNLYQ[Met610Ile]KSQNPLAKLH